The following is an entry in ClinVar:

NM_015214.3(DDHD2):c.312T>G (p.Asp104Glu)

Gene: DDHD2 (DDHD domain containing 2; plus strand). Cytogenetic location: 8p11.23.
Variant type: single nucleotide variant.
Coding change: c.312T>G on transcript NM_015214.3 (MANE Select); coding-DNA position 312, T replaced by G.
Protein change: p.Asp104Glu; replaces aspartic acid 104 with glutamic acid.
Molecular consequence: missense variant. On other transcripts: non-coding transcript variant (2).
Genome position (GRCh38, 1-based): chr8:38,234,485, T>G. VCF-style: chr8-38234485-T-G. GRCh37 (hg19) VCF-style: chr8-38092003-T-G.
Other names: c.312T>G, p.Asp104Glu (NM_001164232.2, NM_001164234.2, NM_001362911.2 and 3 more transcripts); short protein forms D104E.
Identifiers: ClinVar variation 1429613 (VCV001429613.8), dbSNP rs765795609, ClinGen allele CA4715934.

ClinVar aggregate classification (germline): Uncertain significance (1 of 4 stars; one submission).

Conditions:
Hereditary spastic paraplegia 54. Also called: Spastic paraplegia 54, autosomal recessive. Identifiers: Orphanet 320380, MedGen C3539495, MONDO:0014018, OMIM 615033.

Allele frequency attached by ClinVar (database versions not stated): gnomAD exomes 0.00001; ExAC 0.00002.
gnomAD v4.1: 4 of 1,613,544 alleles (0.00025%); highest among the groups gnomAD compares: Admixed American, 0.0033%; no homozygotes.

Submission:

Labcorp Genetics (formerly Invitae), Labcorp
Classification: Uncertain significance for Hereditary spastic paraplegia 54. Last evaluated: 2021-07-26. Review status: criteria provided, single submitter. Criteria: Invitae Variant Classification Sherloc (09022015). Collection method: clinical testing. Allele origin: germline.
Comment: Algorithms developed to predict the effect of missense changes on protein structure and function (SIFT, PolyPhen-2, Align-GVGD) all suggest that this variant is likely to be tolerated. In summary, the available evidence is currently insufficient to determine the role of this variant in disease. Therefore, it has been classified as a Variant of Uncertain Significance. This variant has not been reported in the literature in individuals affected with DDHD2-related conditions. This variant is present in population databases (rs765795609, ExAC 0.02%). This sequence change replaces aspartic acid with glutamic acid at codon 104 of the DDHD2 protein (p.Asp104Glu). The aspartic acid residue is weakly conserved and there is a small physicochemical difference between aspartic acid and glutamic acid.